The following is an entry in ClinVar:

NM_000187.4(HGD):c.828G>C (p.Lys276Asn)

Gene: HGD (homogentisate 1,2-dioxygenase; minus strand). Cytogenetic location: 3q13.33.
Variant type: single nucleotide variant.
Coding change: c.828G>C on transcript NM_000187.4 (MANE Select); coding-DNA position 828, G replaced by C.
Protein change: p.Lys276Asn; replaces lysine 276 with asparagine.
Molecular consequence: missense variant.
Genome position (GRCh38, 1-based): chr3:120,641,640, C>G on the plus strand (G>C on the coding strand, the complement: HGD is on the minus strand). VCF-style: chr3-120641640-C-G. GRCh37 (hg19) VCF-style: chr3-120360487-C-G.
Other names: short protein forms K276N.
Identifiers: ClinVar variation 2627685 (VCV002627685.3), dbSNP rs1160502581, ClinGen allele CA354073964.

ClinVar aggregate classification (germline): Uncertain significance. Review status: criteria provided, single submitter (1 of 4 stars). 2 submissions from 2 submitters: Uncertain significance (1). 1 of the submissions does not count toward it. Last evaluated 2025-04-17.

Conditions:
Alkaptonuria (AKU). Also called: HOMOGENTISIC ACID OXIDASE DEFICIENCY; Alcaptonuria; Homogentisic acidura; Alkaptonuric ochronosis. Identifiers: Orphanet 56, MedGen C0002066, MONDO:0008753, OMIM 203500.

Allele frequency attached by ClinVar (database versions not stated): TOPMed below 0.00001; gnomAD 0.00001.
gnomAD v4.1: 14 of 1,613,928 alleles (0.00087%); highest among the groups gnomAD compares: Non-Finnish European, 0.0012%; no homozygotes.

Submissions (2):

Women's Health and Genetics/Laboratory Corporation of America, LabCorp
Classification: Uncertain significance. Last evaluated: 2025-04-17. Review status: criteria provided, single submitter. Criteria: LabCorp Variant Classification Summary - May 2015. Collection method: clinical testing. Allele origin: germline.
Comment: Variant summary: HGD c.828G>C (p.Lys276Asn) results in a non-conservative amino acid change located in the Homogentisate 1,2-dioxygenase, N-terminal domain (IPR046452) of the encoded protein sequence. Four of five in-silico tools predict a damaging effect of the variant on protein function. The variant was absent in 251414 control chromosomes. The available data on variant occurrences in the general population are insufficient to allow any conclusion about variant significance. c.828G>C has been observed in a compound heterozygus individual affected with Alkaptonuria (Zatkova_2012). These report(s) do not provide unequivocal conclusions about association of the variant with Alkaptonuria. To our knowledge, no experimental evidence demonstrating an impact on protein function has been reported. The following publications have been ascertained in the context of this evaluation (PMID: 21720873, 23430897). ClinVar contains an entry for this variant (Variation ID: 2627685). Based on the evidence outlined above, the variant was classified as uncertain significance.

Department Of Human Genetics, Institute Of Clinical And Translational Research, Biomedical Research Center, Slovak Academy Of Sciences
Classification: Pathogenic for Alkaptonuria. Review status: no assertion criteria provided. Collection method: research. Allele origin: germline. Inheritance: Autosomal recessive inheritance. Affected: yes. Observed: 3 variant alleles. Not counted in ClinVar's aggregate classification.
Comment: The variant was originally described in AKU patient in PMID:23430897. It has been submitted to the HGD gene mutation database (DB-ID: AKU_00142).

Literature cited by the submitters: PubMed 23430897 (cited by Women's Health and Genetics/Laboratory Corporation of America, LabCorp and Department Of Human Genetics, Institute Of Clinical And Translational Research, Biomedical Research Center, Slovak Academy Of Sciences); PubMed 21720873 (cited by Women's Health and Genetics/Laboratory Corporation of America, LabCorp).